The following is an entry in ClinVar:

ClinVar aggregate classification (germline): Conflicting classifications of pathogenicity. Review status: criteria provided, conflicting classifications (1 of 4 stars). 2 submissions from 2 submitters: Uncertain significance (1); Likely benign (1). Last evaluated 2025-08-01.

Conditions:
Inborn genetic diseases. Identifiers: MedGen C0950123, MeSH D030342.

gnomAD v4.1: 12 of 1,612,716 alleles (0.00074%); highest among the groups gnomAD compares: Admixed American, 0.017%; no homozygotes.

Submissions (2):

CeGaT Center for Human Genetics Tuebingen
Classification: Likely benign. Last evaluated: 2025-08-01. Review status: criteria provided, single submitter. Criteria: CeGaT Center For Human Genetics Tuebingen Variant Classification Criteria Version 2. Collection method: clinical testing. Allele origin: germline. Affected: yes. Observed: 1 variant allele.
Comment: LMBRD2: BP4

Ambry Genetics
Classification: Uncertain significance for Inborn genetic diseases. Last evaluated: 2024-07-14. Review status: criteria provided, single submitter. Criteria: Ambry Variant Classification Scheme 2023. Collection method: clinical testing. Allele origin: germline.

NM_001007527.2(LMBRD2):c.1945A>T (p.Ile649Leu)

Gene: LMBRD2 (LMBR1 domain containing 2; minus strand). Cytogenetic location: 5p13.2.
Variant type: single nucleotide variant.
Coding change: c.1945A>T on transcript NM_001007527.2 (MANE Select); coding-DNA position 1945, A replaced by T.
Protein change: p.Ile649Leu; replaces isoleucine 649 with leucine.
Molecular consequence: missense variant.
Genome position (GRCh38, 1-based): chr5:36,105,150, T>A on the plus strand (A>T on the coding strand, the complement: LMBRD2 is on the minus strand). VCF-style: chr5-36105150-T-A. GRCh37 (hg19) VCF-style: chr5-36105252-T-A.
Other names: short protein forms I649L.
Identifiers: ClinVar variation 3538635 (VCV003538635.9).